The following is an entry in ClinVar:

ClinVar aggregate classification (germline): Uncertain significance. Review status: criteria provided, multiple submitters, no conflicts (2 of 4 stars). 2 submissions from 2 submitters: Uncertain significance (2). Last evaluated 2024-11-24.

Conditions:
Inborn genetic diseases. Identifiers: MedGen C0950123, MeSH D030342.

gnomAD v4.1: 1 of 1,614,078 alleles (0.000062%); highest among the groups gnomAD compares: East Asian, 0.0022%; no homozygotes.

Submissions (2):

Ambry Genetics
Classification: Uncertain significance for Inborn genetic diseases. Last evaluated: 2024-11-24. Review status: criteria provided, single submitter. Criteria: Ambry Variant Classification Scheme 2023. Collection method: clinical testing. Allele origin: germline.
Comment: The p.K331N variant (also known as c.993G>T), located in coding exon 6 of the ERCC6L2 gene, results from a G to T substitution at nucleotide position 993. The lysine at codon 331 is replaced by asparagine, an amino acid with similar properties. This amino acid position is conserved. In addition, this alteration is predicted to be tolerated by in silico analysis. Based on the available evidence, the clinical significance of this variant remains unclear.

Labcorp Genetics (formerly Invitae), Labcorp
Classification: Uncertain significance. Last evaluated: 2022-06-13. Review status: criteria provided, single submitter. Criteria: Invitae Variant Classification Sherloc (09022015). Collection method: clinical testing. Allele origin: germline.
Comment: This sequence change replaces lysine, which is basic and polar, with asparagine, which is neutral and polar, at codon 342 of the ERCC6L2 protein (p.Lys342Asn). This variant is not present in population databases (gnomAD no frequency). This variant has not been reported in the literature in individuals affected with ERCC6L2-related conditions. Algorithms developed to predict the effect of missense changes on protein structure and function are either unavailable or do not agree on the potential impact of this missense change (SIFT: "Tolerated"; PolyPhen-2: "Not Available"; Align-GVGD: "Class C0"). In summary, the available evidence is currently insufficient to determine the role of this variant in disease. Therefore, it has been classified as a Variant of Uncertain Significance.

NM_020207.7(ERCC6L2):c.993G>T (p.Lys331Asn)

Gene: ERCC6L2 (ERCC excision repair 6 like 2; plus strand). Cytogenetic location: 9q22.32.
Variant type: single nucleotide variant.
Coding change: c.993G>T on transcript NM_020207.7 (MANE Select); coding-DNA position 993, G replaced by T.
Protein change: p.Lys331Asn; replaces lysine 331 with asparagine.
Molecular consequence: missense variant. On other transcripts: non-coding transcript variant (1).
Genome position (GRCh38, 1-based): chr9:95,916,269, G>T. VCF-style: chr9-95916269-G-T. GRCh37 (hg19) VCF-style: chr9-98678551-G-T.
Other names: c.993G>T, p.Lys331Asn (NM_001010895.4, NM_001375291.1, NM_001375292.1 and 2 more transcripts); short protein forms K331N.
Identifiers: ClinVar variation 1429415 (VCV001429415.9), dbSNP rs2132709123, ClinGen allele CA374122698.